The following is an entry in ClinVar:

NM_144670.6(A2ML1):c.965G>A (p.Gly322Glu)

Gene: A2ML1 (alpha-2-macroglobulin like 1; plus strand). Cytogenetic location: 12p13.31.
Variant type: single nucleotide variant.
Coding change: c.965G>A on transcript NM_144670.6 (MANE Select); coding-DNA position 965, G replaced by A.
Protein change: p.Gly322Glu; replaces glycine 322 with glutamic acid.
Molecular consequence: missense variant.
Genome position (GRCh38, 1-based): chr12:8,838,445, G>A. VCF-style: chr12-8838445-G-A. GRCh37 (hg19) VCF-style: chr12-8991041-G-A.
Other names: short protein forms G322E.
Identifiers: ClinVar variation 1044201 (VCV001044201.8), dbSNP rs1943358225, ClinGen allele CA383823503.

ClinVar aggregate classification (germline): Uncertain significance (1 of 4 stars; one submission).

Allele frequency attached by ClinVar (database versions not stated): gnomAD exomes below 0.00001.
gnomAD v4.1: 5 of 1,612,874 alleles (0.00031%); highest among the groups gnomAD compares: Non-Finnish European, 0.00042%; no homozygotes.

Submission:

Labcorp Genetics (formerly Invitae), Labcorp
Classification: Uncertain significance. Last evaluated: 2024-04-17. Review status: criteria provided, single submitter. Criteria: Invitae Variant Classification Sherloc (09022015). Collection method: clinical testing. Allele origin: germline.
Comment: This sequence change replaces glycine, which is neutral and non-polar, with glutamic acid, which is acidic and polar, at codon 322 of the A2ML1 protein (p.Gly322Glu). This variant is not present in population databases (gnomAD no frequency). This variant has not been reported in the literature in individuals affected with A2ML1-related conditions. ClinVar contains an entry for this variant (Variation ID: 1044201). An algorithm developed to predict the effect of missense changes on protein structure and function (PolyPhen-2) suggests that this variant is likely to be disruptive. In summary, the available evidence is currently insufficient to determine the role of this variant in disease. Therefore, it has been classified as a Variant of Uncertain Significance.